The following is an entry in ClinVar:

ClinVar aggregate classification (germline): Pathogenic/Likely pathogenic. Review status: criteria provided, multiple submitters, no conflicts (2 of 4 stars). 6 submissions from 5 submitters: Pathogenic (1); Likely pathogenic (4). 1 of the submissions does not count toward it. Last evaluated 2024-12-11.

Conditions:
Developmental delay, impaired growth, dysmorphic facies, and axonal neuropathy. Identifiers: MedGen C5436781, MONDO:0030835, OMIM 619090.
MORC2-related disorder. Also called: MORC2-related condition.
Charcot-Marie-Tooth disease axonal type 2Z. Also called: CHARCOT-MARIE-TOOTH DISEASE, AXONAL, AUTOSOMAL DOMINANT, TYPE 2Z; CHARCOT-MARIE-TOOTH NEUROPATHY, TYPE 2Z. Identifiers: Orphanet 466768, MedGen C5569025, MONDO:0014736, OMIM 616688.

Submissions (6):

Women's Health and Genetics/Laboratory Corporation of America, LabCorp
Classification: Likely pathogenic for Developmental delay, impaired growth, dysmorphic facies, and axonal neuropathy. Last evaluated: 2024-12-11. Review status: criteria provided, single submitter. Criteria: LabCorp Variant Classification Summary - May 2015. Collection method: clinical testing. Allele origin: germline.
Comment: Variant summary: MORC2 c.71C>T (p.Thr24Ile) results in a non-conservative amino acid change in the encoded protein sequence. Three of four in-silico tools predict a damaging effect of the variant on protein function. Consensus agreement among computation tools predict no significant impact on normal splicing. However, these predictions have yet to be confirmed by functional studies. The variant was absent in 151518 control chromosomes. c.71C>T has been reported in the literature as de novo in an individual affected with Developmental delay, impaired growth, dysmorphic facies, and axonal neuropathy (Guillen Sacoto_2020). At least one publication reports experimental evidence evaluating an impact on protein function. The most pronounced variant effect results in hyperactivation of Human Silencing Hub (HUSH)-mediated silencing (Guillen Sacoto_2020). The following publication has been ascertained in the context of this evaluation (PMID: 32693025). ClinVar contains an entry for this variant (Variation ID: 804228). Based on the evidence outlined above, the variant was classified as likely pathogenic.

Blueprint Genetics
Classification: Pathogenic for MORC2-related disorders. Last evaluated: 2024-01-22. Review status: criteria provided, single submitter. Criteria: ACMG Guidelines, 2015. Collection method: clinical testing. Allele origin: germline. Affected: yes. Observed: 1 variant allele.

Baylor Genetics
Classification: Likely pathogenic for Charcot-Marie-Tooth disease axonal type 2Z. Last evaluated: 2023-08-03. Review status: criteria provided, single submitter. Criteria: ACMG Guidelines, 2015. Collection method: clinical testing. Allele origin: unknown.

Baylor Genetics
Classification: Likely pathogenic for Developmental delay, impaired growth, dysmorphic facies, and axonal neuropathy. Last evaluated: 2023-08-03. Review status: criteria provided, single submitter. Criteria: ACMG Guidelines, 2015. Collection method: clinical testing. Allele origin: unknown.

GeneDx
Classification: Likely pathogenic. Last evaluated: 2019-10-14. Review status: criteria provided, single submitter. Criteria: GeneDx Variant Classification (06012015). Collection method: clinical testing. Allele origin: germline. Affected: yes.
Comment: The T24I variant in the MORC2 gene has been observed as a de novo variant in internal GeneDx whole exome sequencing data in association with developmental delay, hearing loss, short stature, microcephaly, muscle weakness, abnormal muscle tone, brain abnormalities, and dysmorphic features. The T24I variant is not observed in large population cohorts (Lek et al., 2016). In silico analysis, which includes protein predictors and evolutionary conservation, supports a deleterious effect. Therefore, we interpret T24I as a likely pathogenic variant.

OMIM
Classification: Pathogenic for DEVELOPMENTAL DELAY, IMPAIRED GROWTH, DYSMORPHIC FACIES, AND AXONAL NEUROPATHY. Last evaluated: 2021-01-11. Review status: no assertion criteria provided. Collection method: literature only. Allele origin: germline. Not counted in ClinVar's aggregate classification.

Literature cited by the submitters: PubMed 32693025 (cited by Women's Health and Genetics/Laboratory Corporation of America, LabCorp and OMIM).

NM_001303256.3(MORC2):c.71C>T (p.Thr24Ile)

Gene: MORC2 (MORC family CW-type zinc finger 2; minus strand). Cytogenetic location: 22q12.2.
Variant type: single nucleotide variant.
Coding change: c.71C>T on transcript NM_001303256.3 (MANE Select); coding-DNA position 71, C replaced by T.
Protein change: p.Thr24Ile; replaces threonine 24 with isoleucine.
Molecular consequence: missense variant. On other transcripts: 5 prime UTR variant (1).
Genome position (GRCh38, 1-based): chr22:30,958,692, G>A on the plus strand (C>T on the coding strand, the complement: MORC2 is on the minus strand). VCF-style: chr22-30958692-G-A. GRCh37 (hg19) VCF-style: chr22-31354678-G-A.
Other names: c.71C>T, p.Thr24Ile (NM_001303257.2); c.-116C>T (NM_014941.3); short protein forms T24I.
Identifiers: ClinVar variation 804228 (VCV000804228.5), dbSNP rs1602510214, ClinGen allele CA411534742.